The following is an entry in ClinVar:

ClinVar aggregate classification (germline): Uncertain significance (1 of 4 stars; one submission).

Submission:

Women's Health and Genetics/Laboratory Corporation of America, LabCorp
Classification: Uncertain significance. Last evaluated: 2024-05-08. Review status: criteria provided, single submitter. Criteria: LabCorp Variant Classification Summary - May 2015. Collection method: clinical testing. Allele origin: germline.
Comment: Variant summary: TMEM38B c.218C>T (p.Pro73Leu) results in a non-conservative amino acid change in the encoded protein sequence. Three of five in-silico tools predict a damaging effect of the variant on protein function. The variant was absent in 251366 control chromosomes (gnomAD). The available data on variant occurrences in the general population are insufficient to allow any conclusion about variant significance. To our knowledge, no occurrence of c.218C>T in individuals affected with Osteogenesis Imperfecta and no experimental evidence demonstrating its impact on protein function have been reported. No submitters have cited clinical-significance assessments for this variant to ClinVar. Based on the evidence outlined above, the variant was classified as uncertain significance.

NM_018112.3(TMEM38B):c.218C>T (p.Pro73Leu)

Gene: TMEM38B (transmembrane protein 38B; plus strand). Cytogenetic location: 9q31.2.
Variant type: single nucleotide variant.
Coding change: c.218C>T on transcript NM_018112.3 (MANE Select); coding-DNA position 218, C replaced by T.
Protein change: p.Pro73Leu; replaces proline 73 with leucine.
Molecular consequence: missense variant.
Genome position (GRCh38, 1-based): chr9:105,705,702, C>T. VCF-style: chr9-105705702-C-T. GRCh37 (hg19) VCF-style: chr9-108467983-C-T.
Other names: short protein forms P73L.
Identifiers: ClinVar variation 3336083 (VCV003336083.1).